The following is an entry in ClinVar:

NM_001278512.2(AP3B2):c.3212G>A (p.Arg1071Gln)

Genes: AP3B2 (adaptor related protein complex 3 subunit beta 2; minus strand), CPEB1-AS1 (CPEB1 antisense RNA 1; plus strand). Cytogenetic location: 15q25.2.
Variant type: single nucleotide variant.
Coding change: c.3212G>A on transcript NM_001278512.2 (MANE Select); coding-DNA position 3212, G replaced by A.
Protein change: p.Arg1071Gln; replaces arginine 1071 with glutamine.
Molecular consequence: missense variant.
Genome position (GRCh38, 1-based): chr15:82,659,654, C>T on the plus strand (G>A on the coding strand, the complement: AP3B2 is on the minus strand). VCF-style: chr15-82659654-C-T. GRCh37 (hg19) VCF-style: chr15-83328406-C-T.
Other names: c.3155G>A (NM_004644.3); c.3059G>A, p.Arg1020Gln (NM_001278511.2); c.344G>A, p.Arg115Gln (NM_001348441.2); c.3155G>A, p.Arg1052Gln (NM_004644.5); short protein forms R1071Q, R1052Q, R115Q, R1020Q.
Identifiers: ClinVar variation 1418287 (VCV001418287.7), dbSNP rs756112219, ClinGen allele CA7699665.

ClinVar aggregate classification (germline): Uncertain significance. Review status: criteria provided, multiple submitters, no conflicts (2 of 4 stars). 2 submissions from 2 submitters: Uncertain significance (2). Last evaluated 2026-02-02.

Conditions:
Inborn genetic diseases. Identifiers: MedGen C0950123, MeSH D030342.

Allele frequency attached by ClinVar (database versions not stated): gnomAD 0.00001; gnomAD exomes 0.00001; ExAC 0.00002.
gnomAD v4.1: 19 of 1,613,786 alleles (0.0012%); highest among the groups gnomAD compares: Non-Finnish European, 0.0014%; no homozygotes.

Submissions (2):

Labcorp Genetics (formerly Invitae), Labcorp
Classification: Uncertain significance. Last evaluated: 2026-02-02. Review status: criteria provided, single submitter. Criteria: Invitae Variant Classification Sherloc (09022015). Collection method: clinical testing. Allele origin: germline.
Comment: This sequence change replaces arginine, which is basic and polar, with glutamine, which is neutral and polar, at codon 1052 of the AP3B2 protein (p.Arg1052Gln). This variant is present in population databases (rs756112219, gnomAD 0.003%). This variant has not been reported in the literature in individuals affected with AP3B2-related conditions. ClinVar contains an entry for this variant (Variation ID: 1418287). An algorithm developed to predict the effect of missense changes on protein structure and function outputs the following: PolyPhen-2: "Benign". The glutamine amino acid residue is found in multiple mammalian species, which suggests that this missense change does not adversely affect protein function. In summary, the available evidence is currently insufficient to determine the role of this variant in disease. Therefore, it has been classified as a Variant of Uncertain Significance.

Ambry Genetics
Classification: Uncertain significance for Inborn genetic diseases. Last evaluated: 2022-10-26. Review status: criteria provided, single submitter. Criteria: Ambry Variant Classification Scheme 2023. Collection method: clinical testing. Allele origin: germline.